The following is an entry in ClinVar:

NM_024570.4(RNASEH2B):c.677A>T (p.Asp226Val)

Gene: RNASEH2B (ribonuclease H2 subunit B; plus strand). Cytogenetic location: 13q14.3.
Variant type: single nucleotide variant.
Coding change: c.677A>T on transcript NM_024570.4 (MANE Select); coding-DNA position 677, A replaced by T.
Protein change: p.Asp226Val; replaces aspartic acid 226 with valine.
Molecular consequence: missense variant.
Genome position (GRCh38, 1-based): chr13:50,948,047, A>T. VCF-style: chr13-50948047-A-T. GRCh37 (hg19) VCF-style: chr13-51522183-A-T.
Other names: c.677A>T, p.Asp226Val (NM_001142279.2, NM_001411023.1); short protein forms D226V.
Identifiers: ClinVar variation 1903193 (VCV001903193.3), dbSNP rs770138442, ClinGen allele CA388259900.

ClinVar aggregate classification (germline): Uncertain significance (1 of 4 stars; one submission).

Conditions:
Aicardi-Goutieres syndrome 2. Identifiers: Orphanet 51, MedGen C3489724, MONDO:0012429, OMIM 610181.

Allele frequency attached by ClinVar (database versions not stated): gnomAD exomes below 0.00001.
gnomAD v4.1: 1 of 1,611,560 alleles (0.000062%); highest among the groups gnomAD compares: Admixed American, 0.0017%; no homozygotes.

Submission:

Labcorp Genetics (formerly Invitae), Labcorp
Classification: Uncertain significance for Aicardi-Goutieres syndrome 2. Last evaluated: 2024-10-22. Review status: criteria provided, single submitter. Criteria: Invitae Variant Classification Sherloc (09022015). Collection method: clinical testing. Allele origin: germline.
Comment: This sequence change replaces aspartic acid, which is acidic and polar, with valine, which is neutral and non-polar, at codon 226 of the RNASEH2B protein (p.Asp226Val). This variant is present in population databases (no rsID available, gnomAD 0.003%). This variant has not been reported in the literature in individuals affected with RNASEH2B-related conditions. ClinVar contains an entry for this variant (Variation ID: 1903193). Invitae Evidence Modeling of protein sequence and biophysical properties (such as structural, functional, and spatial information, amino acid conservation, physicochemical variation, residue mobility, and thermodynamic stability) has been performed for this missense variant. However, the output from this modeling did not meet the statistical confidence thresholds required to predict the impact of this variant on RNASEH2B protein function. In summary, the available evidence is currently insufficient to determine the role of this variant in disease. Therefore, it has been classified as a Variant of Uncertain Significance.